The following is an entry in ClinVar:

NM_000108.5(DLD):c.633dup (p.Val212fs)

Gene: DLD (dihydrolipoamide dehydrogenase; plus strand). Cytogenetic location: 7q31.1.
Variant type: Duplication.
Coding change: c.633dup on transcript NM_000108.5 (MANE Select); coding-DNA position 633, one base duplicated (A; older notation c.633dupA).
Protein change: p.Val212fs; shifts the reading frame from valine 212.
Molecular consequence: frameshift variant.
Genome position (GRCh38, 1-based): chr7:107,906,317, A duplicated; the last of 7 consecutive A bases (chr7:107,906,311-107,906,317); duplicating any one gives the same sequence. VCF-style (leftmost placement, unchanged base first): chr7-107906310-T-TA. GRCh37 (hg19) VCF-style: chr7-107546755-T-TA.
Other names: c.336dup, p.Val113fs (NM_001289750.1); c.564dup, p.Val189fs (NM_001289751.1); c.489dup, p.Val164fs (NM_001289752.1); c.633dupA (NM_000108.5); short protein forms V113fs, V164fs, V212fs, V189fs.
Identifiers: ClinVar variation 371111 (VCV000371111.13), dbSNP rs1040811473, ClinGen allele CA16041123.

ClinVar aggregate classification (germline): Pathogenic/Likely pathogenic. Review status: criteria provided, multiple submitters, no conflicts (2 of 4 stars). 4 submissions from 4 submitters: Pathogenic (2); Likely pathogenic (1). 1 of the submissions does not count toward it. Last evaluated 2026-03-16.

Conditions:
Pyruvate dehydrogenase E3 deficiency (DLDD). Also called: Dihydrolipoamide Dehydrogenase (E3) Deficiency; MAPLE SYRUP URINE DISEASE, TYPE III; Lipoamide dehydrogenase deficiency, lactic acidosis due to; DLD DEFICIENCY; E3 DEFICIENCY; Dihydrolipoamide Dehydrogenase E3 Deficiency. Identifiers: Orphanet 2394, Orphanet 765, MedGen C5574660, MONDO:0009529, OMIM 246900.

Submissions (4):

Women's Health and Genetics/Laboratory Corporation of America, LabCorp
Classification: Pathogenic for Pyruvate dehydrogenase E3 deficiency. Last evaluated: 2026-03-16. Review status: criteria provided, single submitter. Criteria: LabCorp Variant Classification Summary - May 2015. Collection method: clinical testing. Allele origin: germline.
Comment: Variant summary: DLD c.633dupA (p.Val212SerfsX32) results in a premature termination codon, predicted to cause a truncation of the encoded protein or absence of the protein due to nonsense mediated decay, which are commonly known mechanisms for disease. Loss of function variants are known to be pathogenic. The variant was absent in 251276 control chromosomes. To our knowledge, no occurrence of c.633dupA in individuals affected with DLD-related conditions and no experimental evidence demonstrating its impact on protein function have been reported. ClinVar contains an entry for this variant (Variation ID: 371111). Based on the evidence outlined above, the variant was classified as pathogenic.

Labcorp Genetics (formerly Invitae), Labcorp
Classification: Pathogenic for Pyruvate dehydrogenase E3 deficiency. Last evaluated: 2025-10-02. Review status: criteria provided, single submitter. Criteria: Invitae Variant Classification Sherloc (09022015). Collection method: clinical testing. Allele origin: germline.
Comment: This sequence change creates a premature translational stop signal (p.Val212Serfs*32) in the DLD gene. It is expected to result in an absent or disrupted protein product. Loss-of-function variants in DLD are known to be pathogenic (PMID: 8968745, 9934985). This variant is not present in population databases (gnomAD no frequency). This variant has not been reported in the literature in individuals affected with DLD-related conditions. ClinVar contains an entry for this variant (Variation ID: 371111). For these reasons, this variant has been classified as Pathogenic.

Baylor Genetics
Classification: Likely pathogenic for Pyruvate dehydrogenase E3 deficiency. Last evaluated: 2023-11-07. Review status: criteria provided, single submitter. Criteria: ACMG Guidelines, 2015. Collection method: clinical testing. Allele origin: unknown.

Counsyl
Classification: Likely pathogenic for Pyruvate dehydrogenase E3 deficiency. Last evaluated: 2016-06-30. Review status: no assertion criteria provided. Collection method: clinical testing. Allele origin: unknown. Not counted in ClinVar's aggregate classification.

Literature cited by the submitters: PubMed 8968745 (cited by Labcorp Genetics (formerly Invitae), Labcorp); PubMed 9934985 (cited by Labcorp Genetics (formerly Invitae), Labcorp).